The following continues an entry in ClinVar:

NM_000059.4(BRCA2):c.229A>G (p.Thr77Ala)

Gene: BRCA2. ClinVar aggregate classification (germline): Uncertain significance. Uncertain significance (11).

Submissions 8 to 14 of 14:

Color Diagnostics, LLC DBA Color Health
Classification: Uncertain significance for Hereditary cancer-predisposing syndrome. Last evaluated: 2023-09-27. Review status: criteria provided, single submitter. Criteria: ACMG Guidelines, 2015. Collection method: clinical testing. Allele origin: germline.
Comment: This missense variant replaces threonine with alanine at codon 77 of the BRCA2 protein. Computational prediction suggests that this variant may not impact protein structure and function (internally defined REVEL score threshold <= 0.5, PMID: 27666373). Functional studies have shown that this variant disrupts BRCA2-PLK1 interaction. This variant has been reported in 2 individuals affected with breast cancer (PMID: 18284688, 33606809). This variant has been identified in 3/251384 chromosomes in the general population by the Genome Aggregation Database (gnomAD). The available evidence is insufficient to determine the role of this variant in disease conclusively. Therefore, this variant is classified as a Variant of Uncertain Significance.

GeneDx
Classification: Uncertain significance. Last evaluated: 2023-08-08. Review status: criteria provided, single submitter. Criteria: GeneDx Variant Classification Process June 2021. Collection method: clinical testing. Allele origin: germline. Affected: yes.
Comment: Observed in individuals with breast cancer (Lee et al., 2008; Yehia et al., 2018; Sandoval et al., 2021); Published functional studies are inconclusive: impaired interaction of BRCA2 with PLK1 (Takaoka et al., 2014; Yata et al., 2014); Not observed at significant frequency in large population cohorts (gnomAD); In silico analysis supports that this missense variant does not alter protein structure/function; Also known as 457A>G; This variant is associated with the following publications: (PMID: 24448238, 24835992, 26920070, 26566862, 14647413, 29884841, 32377563, 18284688, 33606809, 31853058, 34598035, 29684080)

Women's Health and Genetics/Laboratory Corporation of America, LabCorp
Classification: Uncertain significance. Last evaluated: 2021-04-27. Review status: criteria provided, single submitter. Criteria: LabCorp Variant Classification Summary - May 2015. Collection method: clinical testing. Allele origin: germline.
Comment: Variant summary: BRCA2 c.229A>G (p.Thr77Ala) results in a non-conservative amino acid change in the encoded protein sequence. Four of five in-silico tools predict a damaging effect of the variant on protein function. The variant allele was found at a frequency of 1.2e-05 in 251384 control chromosomes. The available data on variant occurrences in the general population are insufficient to allow any conclusion about variant significance. c.229A>G has been reported in the literature in individuals affected with Breast And Ovarian Cancer Syndrome (Lee_2008, Manie_2016, Sandoval_2021). These reports do not provide unequivocal conclusions about association of the variant with Hereditary Breast And Ovarian Cancer Syndrome. Co-occurrences with other pathogenic variants have been reported in the BIC database (Study ID 40821-presumably a whole gene deletion reported as BRCA1 943ins10, Stop275) and at our laboratory (BRCA1 c.5251C>T, p.Arg1751X), providing supporting evidence for a benign role. At least two publications provide experimental evidence evaluating an impact on protein function and report that this variant abolishes the Plk1 mediated phosphorylation of BRCA2 at residue Thr77, resulting in failure of BRCA2 localization to the Flemming body and incomplete cytokinesis, suggesting that this mutation may underlie the development of breast cancer (Yata_2014, Takaoka_2014). However, the implications of these observations on the established mechanisms of carcinogenesis are not clearly established. Six clinical diagnostic laboratories have submitted clinical-significance assessments for this variant to ClinVar after 2014 without evidence for independent evaluation. All laboratories classified the variant as uncertain significance. Based on the evidence outlined above, the variant was classified as uncertain significance.

Mendelics
Classification: Uncertain significance for Breast-ovarian cancer, familial, susceptibility to, 2. Last evaluated: 2019-05-28. Review status: criteria provided, single submitter. Criteria: Mendelics Assertion Criteria 2017. Collection method: clinical testing. Allele origin: unknown.

Counsyl
Classification: Uncertain significance for Breast-ovarian cancer, familial, susceptibility to, 2. Last evaluated: 2018-01-22. Review status: no assertion criteria provided. Collection method: clinical testing. Allele origin: unknown. Not counted in ClinVar's aggregate classification.

Sharing Clinical Reports Project (SCRP)
Classification: Uncertain significance for Breast-ovarian cancer, familial 2. Last evaluated: 2012-04-12. Review status: no assertion criteria provided. Collection method: clinical testing. Allele origin: germline. Not counted in ClinVar's aggregate classification.

Breast Cancer Information Core (BIC) (BRCA2)
Classification: Uncertain significance for Breast-ovarian cancer, familial 2. Last evaluated: 2004-02-20. Review status: no assertion criteria provided. Collection method: clinical testing. Allele origin: germline. Affected: yes. Observed: 4 variant alleles. Not counted in ClinVar's aggregate classification.

Literature cited by the submitters: PubMed 18284688 (cited by 7 submitters); PubMed 29684080 (cited by 3 submitters); PubMed 34598035 (cited by Labcorp Genetics (formerly Invitae), Labcorp and Quest Diagnostics Nichols Institute San Juan Capistrano); PubMed 24448238 (cited by 5 submitters); PubMed 24835992 (cited by 5 submitters); PubMed 33606809 (cited by 5 submitters); PubMed 29884841 (cited by Quest Diagnostics Nichols Institute San Juan Capistrano); PubMed 26317927 (cited by 3 submitters); PubMed 30702160 (cited by Quest Diagnostics Nichols Institute San Juan Capistrano); PubMed 14647413 (cited by Quest Diagnostics Nichols Institute San Juan Capistrano); PubMed 26566862 (cited by Quest Diagnostics Nichols Institute San Juan Capistrano and Women's Health and Genetics/Laboratory Corporation of America, LabCorp).